The following is an entry in ClinVar:

NM_000256.3(MYBPC3):c.3449G>C (p.Arg1150Thr)

Gene: MYBPC3 (myosin binding protein C3; minus strand). Cytogenetic location: 11p11.2.
Variant type: single nucleotide variant.
Coding change: c.3449G>C on transcript NM_000256.3 (MANE Select); coding-DNA position 3449, G replaced by C.
Protein change: p.Arg1150Thr; replaces arginine 1150 with threonine.
Molecular consequence: missense variant.
Genome position (GRCh38, 1-based): chr11:47,332,855, C>G on the plus strand (G>C on the coding strand, the complement: MYBPC3 is on the minus strand). VCF-style: chr11-47332855-C-G. GRCh37 (hg19) VCF-style: chr11-47354406-C-G.
Other names: short protein forms R1150T.
Identifiers: ClinVar variation 1023692 (VCV001023692.8), dbSNP rs746613719, ClinGen allele CA380313219.
Genomic context (GRCh38, chr11:47,332,855, plus strand): 5'-AAGAATGAGGGTACAGCACCTGGTCTGGGGATAAAGACGGGCTCCTTGGTGGTGGCCGCT[C>G]TGTCACTAAAGCCAACCATATTCTGGCTGAAGACGCGGAAGTAGTAGCCATTGCCAATGA-3'
Protein context (NP_000247.2, residues 1140-1160): FSQNMVGFSD[Arg1150Thr]AATTKEPVFI

ClinVar aggregate classification (germline): Uncertain significance (1 of 4 stars; one submission).

Conditions:
Hypertrophic cardiomyopathy. Also called: HYPERTROPHIC MYOCARDIOPATHY. Identifiers: Orphanet 217569, MedGen C0007194, MeSH D002312, MONDO:0005045, HP:0001639.

gnomAD v4.1: 2 of 1,607,468 alleles (0.00012%); highest among the groups gnomAD compares: Non-Finnish European, 0.00017%; no homozygotes.

Submission:

Labcorp Genetics (formerly Invitae), Labcorp
Classification: Uncertain significance for Hypertrophic cardiomyopathy. Last evaluated: 2023-10-22. Review status: criteria provided, single submitter. Criteria: Invitae Variant Classification Sherloc (09022015). Collection method: clinical testing. Allele origin: germline.
Comment: This sequence change replaces arginine, which is basic and polar, with threonine, which is neutral and polar, at codon 1150 of the MYBPC3 protein (p.Arg1150Thr). This variant is not present in population databases (gnomAD no frequency). This missense change has been observed in individual(s) with hypertrophic cardiomyopathy (PMID: 34503678). ClinVar contains an entry for this variant (Variation ID: 1023692). Algorithms developed to predict the effect of missense changes on protein structure and function output the following: SIFT: "Not Available"; PolyPhen-2: "Benign"; Align-GVGD: "Not Available". The threonine amino acid residue is found in multiple mammalian species, which suggests that this missense change does not adversely affect protein function. In summary, the available evidence is currently insufficient to determine the role of this variant in disease. Therefore, it has been classified as a Variant of Uncertain Significance.

Literature cited by the submitters: PubMed 34503678.